The following is an entry in ClinVar:

ClinVar aggregate classification (germline): Uncertain significance (1 of 4 stars; one submission).

Conditions:
Deficiency of malonyl-CoA decarboxylase. Also called: Malonic aciduria; MCD deficiency. Identifiers: Orphanet 943, MedGen C0342793, MONDO:0009556, OMIM 248360.

Allele frequency attached by ClinVar (database versions not stated): gnomAD 0.00001; gnomAD exomes 0.00002; TOPMed 0.00002; ExAC 0.00003.

Submission:

Labcorp Genetics (formerly Invitae), Labcorp
Classification: Uncertain significance for Deficiency of malonyl-CoA decarboxylase. Last evaluated: 2024-10-13. Review status: criteria provided, single submitter. Criteria: Invitae Variant Classification Sherloc (09022015). Collection method: clinical testing. Allele origin: germline.
Comment: This sequence change replaces leucine, which is neutral and non-polar, with proline, which is neutral and non-polar, at codon 161 of the MLYCD protein (p.Leu161Pro). This variant is present in population databases (rs780734812, gnomAD 0.01%). This missense change has been observed in individual(s) with malonyl-CoA decarboxylase deficiency (PMID: 12955715). ClinVar contains an entry for this variant (Variation ID: 570913). Invitae Evidence Modeling of protein sequence and biophysical properties (such as structural, functional, and spatial information, amino acid conservation, physicochemical variation, residue mobility, and thermodynamic stability) indicates that this missense variant is expected to disrupt MLYCD protein function with a positive predictive value of 80%. In summary, the available evidence is currently insufficient to determine the role of this variant in disease. Therefore, it has been classified as a Variant of Uncertain Significance.

Literature cited by the submitters: PubMed 12955715.

NM_012213.3(MLYCD):c.482T>C (p.Leu161Pro)

Genes: MLYCD (malonyl-CoA decarboxylase; plus strand), LOC130059555 (ATAC-STARR-seq lymphoblastoid silent region 7770; plus strand). Cytogenetic location: 16q23.3.
Variant type: single nucleotide variant.
Coding change: c.482T>C on transcript NM_012213.3 (MANE Select); coding-DNA position 482, T replaced by C.
Protein change: p.Leu161Pro; replaces leucine 161 with proline.
Molecular consequence: missense variant.
Genome position (GRCh38, 1-based): chr16:83,899,626, T>C. VCF-style: chr16-83899626-T-C. GRCh37 (hg19) VCF-style: chr16-83933231-T-C.
Other names: short protein forms L161P.
Identifiers: ClinVar variation 570913 (VCV000570913.8), dbSNP rs780734812, ClinGen allele CA8197247.
Genomic context (GRCh38, chr16:83,899,626, plus strand): 5'-TCCACCACATCAGCAAGCTGGACGGCGGCGTGCGCTTCCTGGTGCAGCTGCGGGCCGACC[T>C]GCTGGAGGCGCAGGCCCTCAAGCTGGTGGAGGGGCCGGACGTCCGGGTAAGGGGCCGCCG-3'
Protein context (NP_036345.2, residues 151-171): VRFLVQLRAD[Leu161Pro]LEAQALKLVE